The following is an entry in ClinVar:

ClinVar aggregate classification (germline): Uncertain significance (1 of 4 stars; one submission).

gnomAD v4.1: 2 of 1,563,712 alleles (0.00013%); highest among the groups gnomAD compares: Non-Finnish European, 0.00017%; no homozygotes.

Submission:

GeneDx
Classification: Uncertain significance. Last evaluated: 2024-08-27. Review status: criteria provided, single submitter. Criteria: GeneDx Variant Classification Process June 2021. Collection method: clinical testing. Allele origin: germline. Affected: yes.
Comment: Not observed at significant frequency in large population cohorts (gnomAD); In silico analysis supports that this missense variant has a deleterious effect on protein structure/function; Has not been previously published as pathogenic or benign to our knowledge

NM_021076.4(NEFH):c.346C>T (p.Arg116Trp)

Gene: NEFH (neurofilament heavy chain; plus strand). Cytogenetic location: 22q12.2.
Variant type: single nucleotide variant.
Coding change: c.346C>T on transcript NM_021076.4 (MANE Select); coding-DNA position 346, C replaced by T.
Protein change: p.Arg116Trp; replaces arginine 116 with tryptophan.
Molecular consequence: missense variant.
Genome position (GRCh38, 1-based): chr22:29,480,608, C>T. VCF-style: chr22-29480608-C-T. GRCh37 (hg19) VCF-style: chr22-29876597-C-T.
Other names: short protein forms R116W.
Identifiers: ClinVar variation 3766315 (VCV003766315.1).